The following is an entry in ClinVar:

NM_000070.3(CAPN3):c.1963del (p.Arg655fs)

Gene: CAPN3 (calpain 3; plus strand). Cytogenetic location: 15q15.1.
Variant type: Deletion.
Coding change: c.1963del on transcript NM_000070.3 (MANE Select); coding-DNA position 1963, one base deleted (C; older notation c.1963delC).
Protein change: p.Arg655fs; shifts the reading frame from arginine 655.
Molecular consequence: frameshift variant. On other transcripts: 5 prime UTR variant (2).
Genome position (GRCh38, 1-based): chr15:42,409,351, C deleted; the last of 2 consecutive C bases (chr15:42,409,350-42,409,351); deleting either gives the same sequence. VCF-style (leftmost placement, unchanged base first): chr15-42409349-TC-T. GRCh37 (hg19) VCF-style: chr15-42701547-TC-T.
Other names: c.1945del, p.Arg649fs (NM_024344.2); c.1687del, p.Arg563fs (NM_173087.2); c.427del, p.Arg143fs (NM_173088.2); c.-33del (NM_173089.2, NM_173090.2); short protein forms R563fs, R655fs, R143fs, R649fs.
Identifiers: ClinVar variation 617570 (VCV000617570.8), dbSNP rs1566984441, ClinGen allele CA913190705.

ClinVar aggregate classification (germline): Pathogenic/Likely pathogenic. Review status: criteria provided, multiple submitters, no conflicts (2 of 4 stars). 4 submissions from 4 submitters: Pathogenic (2); Likely pathogenic (2). Last evaluated 2024-02-01.

Conditions:
Autosomal recessive limb-girdle muscular dystrophy type 2A (LGMDR1). Also called: Limb-girdle muscular dystrophy, type 2A; Muscular dystrophy, limb-girdle, type 2A, Amish; LEYDEN-MOEBIUS MUSCULAR DYSTROPHY; MUSCULAR DYSTROPHY, PELVOFEMORAL; Calpainopathy. Identifiers: Orphanet 267, MedGen C1869123, MONDO:0009675, OMIM 253600. Disease mechanism: loss of function.

Submissions (4):

Neuberg Centre For Genomic Medicine, NCGM
Classification: Likely pathogenic for Autosomal recessive limb-girdle muscular dystrophy type 2A. Last evaluated: 2024-02-01. Review status: criteria provided, single submitter. Criteria: ACMG Guidelines, 2015. Collection method: clinical testing. Allele origin: germline. Inheritance: Autosomal recessive inheritance.
Comment: The above variant has not previously reported in the literature in individuals affected with CAPN3-related conditions, to our knowledge. This variant causes a frameshift starting with codon Arginine 655, changes this amino acid to Glycine residue, and creates a premature Stop codon at position 7 of the new reading frame, denoted p.Arg655GlyfsTer7. This variant is predicted to cause loss of normal protein function through protein truncation. Loss of function variants in this gene have been previously reported to be disease causing (Macias A, et al., 2021). In the absence of another reportable variant in this gene, the molecular diagnosis is not confirmed.

Revvity Omics, Revvity
Classification: Pathogenic. Last evaluated: 2023-08-16. Review status: criteria provided, single submitter. Criteria: ACMG Guidelines, 2015. Collection method: clinical testing. Allele origin: germline.

Labcorp Genetics (formerly Invitae), Labcorp
Classification: Pathogenic for Autosomal recessive limb-girdle muscular dystrophy type 2A. Last evaluated: 2022-03-08. Review status: criteria provided, single submitter. Criteria: Invitae Variant Classification Sherloc (09022015). Collection method: clinical testing. Allele origin: germline.
Comment: This variant is not present in population databases (gnomAD no frequency). This sequence change creates a premature translational stop signal (p.Arg655Glyfs*7) in the CAPN3 gene. It is expected to result in an absent or disrupted protein product. Loss-of-function variants in CAPN3 are known to be pathogenic (PMID: 10330340, 15689361). This variant has not been reported in the literature in individuals affected with CAPN3-related conditions. ClinVar contains an entry for this variant (Variation ID: 617570). For these reasons, this variant has been classified as Pathogenic.

NeuroMeGen, Hospital Clinico Santiago de Compostela
Classification: Likely pathogenic for Autosomal recessive limb-girdle muscular dystrophy type 2A. Last evaluated: 2018-10-08. Review status: criteria provided, single submitter. Criteria: ACMG Guidelines, 2015. Collection method: clinical testing. Allele origin: unknown. Affected: yes. Observed: 1 compound heterozygote.

Literature cited by the submitters: PubMed 10330340 (cited by Labcorp Genetics (formerly Invitae), Labcorp); PubMed 15689361 (cited by Labcorp Genetics (formerly Invitae), Labcorp).